The following is an entry in ClinVar:

NM_001853.4(COL9A3):c.919G>A (p.Gly307Ser)

Gene: COL9A3 (collagen type IX alpha 3 chain; plus strand). Cytogenetic location: 20q13.33.
Variant type: single nucleotide variant.
Coding change: c.919G>A on transcript NM_001853.4 (MANE Select); coding-DNA position 919, G replaced by A.
Protein change: p.Gly307Ser; replaces glycine 307 with serine.
Molecular consequence: missense variant.
Genome position (GRCh38, 1-based): chr20:62,828,782, G>A. VCF-style: chr20-62828782-G-A. GRCh37 (hg19) VCF-style: chr20-61460134-G-A.
Other names: short protein forms G307S.
Identifiers: ClinVar variation 1898298 (VCV001898298.5), dbSNP rs1201421809, ClinGen allele CA409593051.

ClinVar aggregate classification (germline): Uncertain significance (1 of 4 stars; one submission).

Allele frequency attached by ClinVar (database versions not stated): gnomAD exomes 0.00001; TOPMed 0.00001.
gnomAD v4.1: 8 of 1,612,722 alleles (0.0005%); highest among the groups gnomAD compares: South Asian, 0.0011%; no homozygotes.

Submission:

Labcorp Genetics (formerly Invitae), Labcorp
Classification: Uncertain significance. Last evaluated: 2023-06-26. Review status: criteria provided, single submitter. Criteria: Invitae Variant Classification Sherloc (09022015). Collection method: clinical testing. Allele origin: germline.
Comment: In summary, the available evidence is currently insufficient to determine the role of this variant in disease. Therefore, it has been classified as a Variant of Uncertain Significance. Advanced modeling of protein sequence and biophysical properties (such as structural, functional, and spatial information, amino acid conservation, physicochemical variation, residue mobility, and thermodynamic stability) performed at Invitae indicates that this missense variant is expected to disrupt COL9A3 protein function. ClinVar contains an entry for this variant (Variation ID: 1898298). This variant has not been reported in the literature in individuals affected with COL9A3-related conditions. This variant is present in population databases (no rsID available, gnomAD 0.0009%). This sequence change replaces glycine, which is neutral and non-polar, with serine, which is neutral and polar, at codon 307 of the COL9A3 protein (p.Gly307Ser).